The following is an entry in ClinVar:

ClinVar aggregate classification (germline): Likely pathogenic (1 of 4 stars; one submission).

Conditions:
X-linked myopathy with postural muscle atrophy. Also called: FHL1-Related Emery-Dreifuss Muscular Dystrophy, X-Linked. Identifiers: Orphanet 178461, MedGen C2678055, MONDO:0010401, OMIM 300696.

Submission:

Labcorp Genetics (formerly Invitae), Labcorp
Classification: Likely pathogenic for X-linked myopathy with postural muscle atrophy. Last evaluated: 2023-05-01. Review status: criteria provided, single submitter. Criteria: Invitae Variant Classification Sherloc (09022015). Collection method: clinical testing. Allele origin: germline.
Comment: This sequence change affects the initiator methionine of the FHL1 mRNA. There are no downstream in-frame methionine residues; therefore, it is expected to result in an absent or disrupted protein product. Loss-of-function variants in FHL1 are known to be pathogenic (PMID: 18179888, 19687455, 19716112, 22523091, 24114807). This variant is not present in population databases (gnomAD no frequency). This variant has not been reported in the literature in individuals affected with FHL1-related conditions. In summary, the currently available evidence indicates that the variant is pathogenic, but additional data are needed to prove that conclusively. Therefore, this variant has been classified as Likely Pathogenic.

Literature cited by the submitters: PubMed 18179888; PubMed 19687455; PubMed 19716112; PubMed 22523091; PubMed 24114807.

NM_001159699.2(FHL1):c.50T>C (p.Met17Thr)

Gene: FHL1 (four and a half LIM domains 1; plus strand). Cytogenetic location: Xq26.3.
Variant type: single nucleotide variant.
Coding change: c.50T>C on transcript NM_001159699.2 (MANE Select); coding-DNA position 50, T replaced by C.
Protein change: p.Met17Thr; replaces methionine 17 with threonine.
Molecular consequence: missense variant. On other transcripts: initiator codon variant (12), non-coding transcript variant (1).
Genome position (GRCh38, 1-based): chrX:136,206,434, T>C. VCF-style: chrX-136206434-T-C. GRCh37 (hg19) VCF-style: chrX-135288593-T-C.
Other names: c.2T>C, p.Met1Thr (NM_001159700.2, NM_001159702.3, NM_001159703.2 and 9 more transcripts); c.89T>C, p.Met30Thr (NM_001159701.2); c.50T>C, p.Met17Thr (NM_001330659.2); short protein forms M1T, M17T, M30T.
Identifiers: ClinVar variation 2861396 (VCV002861396.3), dbSNP rs2521246350, ClinGen allele CA414607324.